The following is an entry in ClinVar:

NM_001267550.2(TTN):c.84130A>C (p.Ile28044Leu)

Genes: TTN-AS1 (TTN antisense RNA 1; plus strand), TTN (titin; minus strand). Cytogenetic location: 2q31.2.
Variant type: single nucleotide variant.
Coding change: c.84130A>C on transcript NM_001267550.2 (MANE Select); coding-DNA position 84130, A replaced by C.
Protein change: p.Ile28044Leu; replaces isoleucine 28044 with leucine.
Molecular consequence: missense variant.
Genome position (GRCh38, 1-based): chr2:178,562,002, T>G on the plus strand (A>C on the coding strand, the complement: TTN is on the minus strand). VCF-style: chr2-178562002-T-G. GRCh37 (hg19) VCF-style: chr2-179426729-T-G.
Other names: c.79207A>C, p.Ile26403Leu (NM_001256850.1); c.56935A>C, p.Ile18979Leu (NM_003319.4); c.76426A>C, p.Ile25476Leu (NM_133378.4); c.57310A>C, p.Ile19104Leu (NM_133432.3); c.57511A>C, p.Ile19171Leu (NM_133437.4); short protein forms I18979L, I28044L, I19104L, I19171L, I25476L, I26403L.
Identifiers: ClinVar variation 1749091 (VCV001749091.2), dbSNP rs369062122, ClinGen allele CA60985244.

ClinVar aggregate classification (germline): Uncertain significance (1 of 4 stars; one submission).

Conditions:
Cardiovascular phenotype. Identifiers: MedGen CN230736.

Allele frequency attached by ClinVar (database versions not stated): 1000 Genomes Project 30x 0.00016; 1000 Genomes Project 0.00020.
gnomAD v4.1: 11 of 1,613,528 alleles (0.00068%); highest among the groups gnomAD compares: East Asian, 0.0089%; no homozygotes.

Submission:

Ambry Genetics
Classification: Uncertain significance for Cardiovascular phenotype. Last evaluated: 2020-08-18. Review status: criteria provided, single submitter. Criteria: Ambry Variant Classification Scheme 2023. Collection method: clinical testing. Allele origin: germline.
Comment: The p.I18979L variant (also known as c.56935A>C), located in coding exon 153 of the TTN gene, results from an A to C substitution at nucleotide position 56935. The isoleucine at codon 18979 is replaced by leucine, an amino acid with highly similar properties. This amino acid position is poorly conserved in available vertebrate species. In addition, this alteration is predicted to be tolerated by in silico analysis. Since supporting evidence is limited at this time, the clinical significance of this alteration remains unclear.